The following is an entry in ClinVar:

NM_002350.4(LYN):c.448G>A (p.Ala150Thr)

Gene: LYN (LYN proto-oncogene, Src family tyrosine kinase; plus strand). Cytogenetic location: 8q12.1.
Variant type: single nucleotide variant.
Coding change: c.448G>A on transcript NM_002350.4 (MANE Select); coding-DNA position 448, G replaced by A.
Protein change: p.Ala150Thr; replaces alanine 150 with threonine.
Molecular consequence: missense variant.
Genome position (GRCh38, 1-based): chr8:55,950,745, G>A. VCF-style: chr8-55950745-G-A. GRCh37 (hg19) VCF-style: chr8-56863304-G-A.
Other names: c.448G>A (NM_002350.3); c.385G>A, p.Ala129Thr (NM_001111097.3); short protein forms A150T, A129T.
Identifiers: ClinVar variation 1425128 (VCV001425128.9), dbSNP rs141769918, ClinGen allele CA4754026.

ClinVar aggregate classification (germline): Uncertain significance. Review status: criteria provided, multiple submitters, no conflicts (2 of 4 stars). 2 submissions from 2 submitters: Uncertain significance (2). Last evaluated 2026-01-27.

Conditions:
Inborn genetic diseases. Identifiers: MedGen C0950123, MeSH D030342.

Allele frequency attached by ClinVar (database versions not stated): ESP Exome Variant Server 0.00008; 1000 Genomes Project 30x 0.00016; 1000 Genomes Project 0.00020.
gnomAD v4.1: 153 of 1,613,902 alleles (0.0095%); highest among the groups gnomAD compares: Admixed American, 0.032%; no homozygotes.

Submissions (2):

Labcorp Genetics (formerly Invitae), Labcorp
Classification: Uncertain significance. Last evaluated: 2026-01-27. Review status: criteria provided, single submitter. Criteria: Invitae Variant Classification Sherloc (09022015). Collection method: clinical testing. Allele origin: germline.
Comment: This sequence change replaces alanine, which is neutral and non-polar, with threonine, which is neutral and polar, at codon 150 of the LYN protein (p.Ala150Thr). This variant is present in population databases (rs141769918, gnomAD 0.03%), and has an allele count higher than expected for a pathogenic variant. This variant has not been reported in the literature in individuals affected with LYN-related conditions. ClinVar contains an entry for this variant (Variation ID: 1425128). An algorithm developed to predict the effect of missense changes on protein structure and function (PolyPhen-2) suggests that this variant is likely to be tolerated. In summary, the available evidence is currently insufficient to determine the role of this variant in disease. Therefore, it has been classified as a Variant of Uncertain Significance.

Ambry Genetics
Classification: Uncertain significance for Inborn genetic diseases. Last evaluated: 2022-08-30. Review status: criteria provided, single submitter. Criteria: Ambry Variant Classification Scheme 2023. Collection method: clinical testing. Allele origin: germline.